The following is an entry in ClinVar:

NM_020159.5(SMARCAD1):c.1282-6del

Gene: SMARCAD1 (SNF2 related chromatin remodeling ATPase with DExD box 1; plus strand). Cytogenetic location: 4q22.3.
Variant type: Deletion.
Coding change: c.1282-6del on transcript NM_020159.5 (MANE Select); 6 bases into the intron before coding-DNA position 1282, one base deleted (C; older notation c.1282-6delC).
Molecular consequence: intron variant.
Genome position (GRCh38, 1-based): chr4:94,264,701, C deleted. VCF-style (leftmost placement, unchanged base first): chr4-94264700-GC-G. GRCh37 (hg19) VCF-style: chr4-95185851-GC-G.
Other names: c.1282-6del (NM_001128430.2, NM_001375855.1, NM_001375858.1 and 2 more transcripts); c.1279-6del (NM_001375857.1); c.-9-6del (NM_001375859.1, NM_001254949.2); c.1282-6delC (NM_001128429.2).
Identifiers: ClinVar variation 2654953 (VCV002654953.26), dbSNP rs545877374, ClinGen allele CA3013298.
Genomic context (GRCh38, chr4:94,264,700, plus strand): 5'-GAAATCAGGATTGCCTTTCTCTTTCCTAGATCTGAACTATTCAATTATTTTTCTTTTTAT[GC>G]TATAGTTCACAAAGATGTCCAAAACTAATGGCTTATCAGAAGATTTGATATGGCACTGTA-3'

ClinVar aggregate classification (germline): Benign/Likely benign. Review status: criteria provided, multiple submitters, no conflicts (2 of 4 stars). 3 submissions from 3 submitters: Benign (1); Likely benign (1). 1 of the submissions does not count toward it. Last evaluated 2024-11-18.

Conditions:
SMARCAD1-related disorder. Also called: SMARCAD1-related condition.

Allele frequency attached by ClinVar (database versions not stated): 1000 Genomes Project 30x 0.00094; 1000 Genomes Project 0.00120; ExAC 0.00201; ESP Exome Variant Server 0.00216; gnomAD 0.00218; TOPMed 0.00218; gnomAD exomes 0.00360.

Submissions (3):

Blueprint Genetics
Classification: Likely benign. Last evaluated: 2024-11-18. Review status: criteria provided, single submitter. Criteria: ACMG Guidelines, 2015. Collection method: clinical testing. Allele origin: germline.

CeGaT Center for Human Genetics Tuebingen
Classification: Benign. Last evaluated: 2022-04-01. Review status: criteria provided, single submitter. Criteria: CeGaT Center For Human Genetics Tuebingen Variant Classification Criteria Version 2. Collection method: clinical testing. Allele origin: germline. Affected: yes. Observed: 1 variant allele.
Comment: SMARCAD1: BP4, BS1, BS2

PreventionGenetics, part of Exact Sciences
Classification: Benign for SMARCAD1-related condition. Last evaluated: 2019-10-22. Review status: no assertion criteria provided. Collection method: clinical testing. Allele origin: germline. Not counted in ClinVar's aggregate classification.
Comment: This variant is classified as benign based on ACMG/AMP sequence variant interpretation guidelines (Richards et al. 2015 PMID: 25741868, with internal and published modifications).